The following is an entry in ClinVar:

NM_001012339.3(DNAJC21):c.1155_1156insG (p.Gln386fs)

Gene: DNAJC21 (DnaJ heat shock protein family (Hsp40) member C21; plus strand). Cytogenetic location: 5p13.2.
Variant type: Insertion.
Coding change: c.1155_1156insG on transcript NM_001012339.3 (MANE Select); coding-DNA positions 1155 to 1156, G inserted.
Protein change: p.Gln386fs; shifts the reading frame from glutamine 386.
Molecular consequence: frameshift variant.
Genome position: GRCh38 VCF-style: chr5-34945773-A-AG. GRCh37 (hg19) VCF-style: chr5-34945878-A-AG.
Other names: c.1194_1195insG, p.Gln399fs (NM_001348420.2); c.1155_1156insG, p.Gln386fs (NM_194283.4); short protein forms Q386fs, Q399fs.
Identifiers: ClinVar variation 1806556 (VCV001806556.2), dbSNP rs1362830842, ClinGen allele CA558979946.

ClinVar aggregate classification (germline): Likely pathogenic (1 of 4 stars; one submission).

Allele frequency attached by ClinVar (database versions not stated): TOPMed 0.00001.

Submission:

GeneDx
Classification: Likely pathogenic. Last evaluated: 2022-12-28. Review status: criteria provided, single submitter. Criteria: GeneDx Variant Classification Process June 2021. Collection method: clinical testing. Allele origin: germline. Affected: yes.
Comment: Frameshift variant predicted to result in protein truncation or nonsense mediated decay in a gene for which loss of function is a known mechanism of disease; Not observed at significant frequency in large population cohorts (gnomAD); Has not been previously published as pathogenic or benign to our knowledge